The following is an entry in ClinVar:

NM_002439.5(MSH3):c.779G>A (p.Gly260Glu)

Gene: MSH3 (mutS homolog 3; plus strand). Cytogenetic location: 5q14.1.
Variant type: single nucleotide variant.
Coding change: c.779G>A on transcript NM_002439.5 (MANE Select); coding-DNA position 779, G replaced by A.
Protein change: p.Gly260Glu; replaces glycine 260 with glutamic acid.
Molecular consequence: missense variant.
Genome position (GRCh38, 1-based): chr5:80,670,296, G>A. VCF-style: chr5-80670296-G-A. GRCh37 (hg19) VCF-style: chr5-79966115-G-A.
Other names: c.779G>A (NM_002439.3); short protein forms G260E.
Identifiers: ClinVar variation 2805835 (VCV002805835.4), dbSNP rs142201450, ClinGen allele CA360267010.
Genomic context (GRCh38, chr5:80,670,296, plus strand): 5'-AGCAGCAGCACAAAGATGCAGTTTTGTGTGTGGAATGTGGATATAAGTATAGATTCTTTG[G>A]GGAAGATGCAGAGGTAAGTCGTCTTTTCAGGCACTATTTTATATTTTTCTTGTCTAGCCT-3'
Protein context (NP_002430.3, residues 250-270): VECGYKYRFF[Gly260Glu]EDAEIAAREL

ClinVar aggregate classification (germline): Uncertain significance. Review status: criteria provided, multiple submitters, no conflicts (2 of 4 stars). 2 submissions from 2 submitters: Uncertain significance (2). Last evaluated 2025-03-10.

Conditions:
Hereditary cancer-predisposing syndrome. Also called: Hereditary neoplastic syndrome; Neoplastic Syndromes, Hereditary; Hereditary Cancer Syndrome; Tumor predisposition. Identifiers: Orphanet 140162, MedGen C0027672, MeSH D009386, MONDO:0015356.

Submissions (2):

Labcorp Genetics (formerly Invitae), Labcorp
Classification: Uncertain significance. Last evaluated: 2025-03-10. Review status: criteria provided, single submitter. Criteria: Invitae Variant Classification Sherloc (09022015). Collection method: clinical testing. Allele origin: germline.
Comment: This sequence change replaces glycine, which is neutral and non-polar, with glutamic acid, which is acidic and polar, at codon 260 of the MSH3 protein (p.Gly260Glu). This variant is not present in population databases (gnomAD no frequency). This variant has not been reported in the literature in individuals affected with MSH3-related conditions. ClinVar contains an entry for this variant (Variation ID: 2805835). An algorithm developed to predict the effect of missense changes on protein structure and function (PolyPhen-2) suggests that this variant is likely to be disruptive. In summary, the available evidence is currently insufficient to determine the role of this variant in disease. Therefore, it has been classified as a Variant of Uncertain Significance.

Ambry Genetics
Classification: Uncertain significance for Hereditary cancer-predisposing syndrome. Last evaluated: 2024-03-06. Review status: criteria provided, single submitter. Criteria: Ambry Variant Classification Scheme 2023. Collection method: clinical testing. Allele origin: germline.
Comment: The p.G260E variant (also known as c.779G>A), located in coding exon 4 of the MSH3 gene, results from a G to A substitution at nucleotide position 779. The glycine at codon 260 is replaced by glutamic acid, an amino acid with similar properties. This amino acid position is conserved. In addition, this alteration is predicted to be deleterious by in silico analysis. Based on the available evidence, the clinical significance of this alteration remains unclear.